The following is an entry in ClinVar:

NM_172351.3(CD46):c.70A>T (p.Met24Leu)

Genes: CD46 (CD46 molecule; plus strand), LOC129932405 (ATAC-STARR-seq lymphoblastoid active region 2449; plus strand). Cytogenetic location: 1q32.2.
Variant type: single nucleotide variant.
Coding change: c.70A>T on transcript NM_172351.3 (MANE Select); coding-DNA position 70, A replaced by T.
Protein change: p.Met24Leu; replaces methionine 24 with leucine.
Molecular consequence: missense variant.
Genome position (GRCh38, 1-based): chr1:207,752,282, A>T. VCF-style: chr1-207752282-A-T. GRCh37 (hg19) VCF-style: chr1-207925627-A-T.
Other names: c.70A>T, p.Met24Leu (NM_002389.4, NM_153826.4, NM_172350.3 and 8 more transcripts); short protein forms M24L.
Identifiers: ClinVar variation 4535992 (VCV004535992.1).
Genomic context (GRCh38, chr1:207,752,282, plus strand): 5'-CCCGGCCGCCGCGAGTGTCCCTTTCCTTCCTGGCGCTTTCCTGGGTTGCTTCTGGCGGCC[A>T]TGGTGTTGCTGCTGTACTCCTTCTCCGGTAGGACCCCGGGGCGGGTTCGCGCGTCCGCGG-3'
Protein context (NP_758861.1, residues 14-34): WRFPGLLLAA[Met24Leu]VLLLYSFSDA

ClinVar aggregate classification (germline): Uncertain significance (1 of 4 stars; one submission).

gnomAD v4.1: 3 of 1,614,006 alleles (0.00019%); highest among the groups gnomAD compares: Admixed American, 0.005%; no homozygotes.

Submission:

Women's Health and Genetics/Laboratory Corporation of America, LabCorp
Classification: Uncertain significance. Last evaluated: 2025-09-30. Review status: criteria provided, single submitter. Criteria: LabCorp Variant Classification Summary - May 2015. Collection method: clinical testing. Allele origin: germline.
Comment: Variant summary: CD46 c.70A>T (p.Met24Leu) results in a conservative amino acid change in the encoded protein sequence. Algorithms developed to predict the effect of missense changes on protein structure and function all suggest that this variant is likely to be tolerated. The variant allele was found at a frequency of 8e-06 in 251364 control chromosomes. The available data on variant occurrences in the general population are insufficient to allow any conclusion about variant significance. To our knowledge, no occurrence of c.70A>T in individuals affected with CD46-related conditions and no experimental evidence demonstrating its impact on protein function have been reported. No submitters have cited clinical-significance assessments for this variant to ClinVar. Based on the evidence outlined above, the variant was classified as uncertain significance.